The following is an entry in ClinVar:

NM_004082.5(DCTN1):c.2258C>T (p.Thr753Met)

Gene: DCTN1 (dynactin subunit 1; minus strand). Cytogenetic location: 2p13.1.
Variant type: single nucleotide variant.
Coding change: c.2258C>T on transcript NM_004082.5 (MANE Select); coding-DNA position 2258, C replaced by T.
Protein change: p.Thr753Met; replaces threonine 753 with methionine.
Molecular consequence: missense variant. On other transcripts: non-coding transcript variant (1).
Genome position (GRCh38, 1-based): chr2:74,367,103, G>A on the plus strand (C>T on the coding strand, the complement: DCTN1 is on the minus strand). VCF-style: chr2-74367103-G-A. GRCh37 (hg19) VCF-style: chr2-74594230-G-A.
Other names: p.Thr753Met; c.2198C>T, p.Thr733Met (NM_001135040.3); c.1856C>T, p.Thr619Met (NM_001135041.3, NM_023019.4); c.2147C>T, p.Thr716Met (NM_001190836.2); c.2237C>T, p.Thr746Met (NM_001190837.2); c.2207C>T, p.Thr736Met (NM_001378991.1); c.2189C>T, p.Thr730Met (NM_001378992.1); short protein forms T753M, T619M, T716M, T733M, T746M, T730M, T736M.
Identifiers: ClinVar variation 337082 (VCV000337082.22), dbSNP rs143763184, ClinGen allele CA1721891.
Genomic context (GRCh38, chr2:74,367,103, plus strand): 5'-ACCTGCAAGAAGGCACGCAGCCGTCCTACCTCCACACTCATGCAGTCCAGAGCACTCTGC[G>A]TGAACTGTGAGGATAGAAGCATGCAATCATCAGCCCCCAGCAGGAGCCCTTCTGCCTTAT-3'
Protein context (NP_004073.2, residues 743-763): TMQLADHIKF[Thr753Met]QSALDCMSVE

ClinVar aggregate classification (germline): Benign/Likely benign. Review status: criteria provided, multiple submitters, no conflicts (2 of 4 stars). 6 submissions from 5 submitters: Benign (1); Likely benign (5). Last evaluated 2025-12-16.

Conditions:
Neuronopathy, distal hereditary motor, type 7B. Also called: HMN VIIB; LOWER MOTOR NEURON DISEASE, DYNACTIN TYPE; NEURONOPATHY, DISTAL HEREDITARY MOTOR, AUTOSOMAL DOMINANT 14; NEURONOPATHY, DISTAL HEREDITARY MOTOR, HARDING TYPE VIIB; NEUROPATHY, DISTAL HEREDITARY MOTOR, HARDING TYPE VIIB; NEUROPATHY, DISTAL HEREDITARY MOTOR, WITH VOCAL CORD PARALYSIS, HARDING TYPE VIIB. Identifiers: Orphanet 139589, MedGen C1843315, MONDO:0011879, OMIM 607641.
Amyotrophic lateral sclerosis type 1 (ALS1). Also called: AMYOTROPHIC LATERAL SCLEROSIS 1, FAMILIAL. Identifiers: Orphanet 803, MedGen C1862939, MONDO:0007103, OMIM 105400.
Perry syndrome. Also called: PARKINSONISM WITH ALVEOLAR HYPOVENTILATION AND MENTAL DEPRESSION. Identifiers: Orphanet 178509, MedGen C1868594, MONDO:0008201, OMIM 168605.
Inborn genetic diseases. Identifiers: MedGen C0950123, MeSH D030342.

Allele frequency attached by ClinVar (database versions not stated): gnomAD exomes 0.00019 and 0.00047; ExAC 0.00055; gnomAD 0.00165 and 0.00179; 1000 Genomes Project 0.00180; TOPMed 0.00191; 1000 Genomes Project 30x 0.00219; ESP Exome Variant Server 0.00231.
gnomAD v4.1: 545 of 1,614,188 alleles (0.034%); highest among the groups gnomAD compares: African/African-American, 0.53%; no homozygotes.

Submissions (6):

Labcorp Genetics (formerly Invitae), Labcorp
Classification: Benign for Amyotrophic lateral sclerosis type 1; Neuronopathy, distal hereditary motor, type 7B; Perry syndrome. Last evaluated: 2025-12-16. Review status: criteria provided, single submitter. Criteria: Invitae Variant Classification Sherloc (09022015). Collection method: clinical testing. Allele origin: germline.

Mayo Clinic Laboratories, Mayo Clinic
Classification: Likely benign. Last evaluated: 2025-09-13. Review status: criteria provided, single submitter. Criteria: ACMG Guidelines, 2015. Collection method: clinical testing. Allele origin: germline. Observed: 3 variant alleles.
Comment: BS1

Ambry Genetics
Classification: Likely benign for Inborn genetic diseases. Last evaluated: 2019-10-15. Review status: criteria provided, single submitter. Criteria: Ambry Variant Classification Scheme 2023. Collection method: clinical testing. Allele origin: germline.

Illumina Laboratory Services, Illumina
Classification: Likely benign for Perry syndrome. Last evaluated: 2017-04-28. Review status: criteria provided, single submitter. Criteria: ICSL Variant Classification Criteria 13 December 2019. Collection method: clinical testing. Allele origin: germline.
Comment: This variant was observed as part of a predisposition screen in an ostensibly healthy population. A literature search was performed for the gene, cDNA change, and amino acid change (where applicable). No publications were found based on this search. Allele frequency data from public databases allowed determination this variant is unlikely to cause disease. Therefore, this variant is classified as likely benign.

Illumina Laboratory Services, Illumina
Classification: Likely benign for Neuronopathy, distal hereditary motor, type 7B. Last evaluated: 2017-04-28. Review status: criteria provided, single submitter. Criteria: ICSL Variant Classification Criteria 13 December 2019. Collection method: clinical testing. Allele origin: germline.
Comment: the same text as in the submission from Illumina Laboratory Services, Illumina above.

Breakthrough Genomics
Classification: Likely benign. Review status: criteria provided, single submitter. Criteria: ACMG Guidelines, 2015. Collection method: not provided. Allele origin: germline. Inheritance: Autosomal recessive inheritance. Affected: yes.

Literature cited by the submitters: PubMed 26392352 (cited by Mayo Clinic Laboratories, Mayo Clinic); PubMed 35896380 (cited by Mayo Clinic Laboratories, Mayo Clinic).